The following is an entry in ClinVar:

ClinVar aggregate classification (germline): Uncertain significance. Review status: criteria provided, multiple submitters, no conflicts (2 of 4 stars). 2 submissions from 2 submitters: Uncertain significance (2). Last evaluated 2023-05-05.

Conditions:
Cystic fibrosis (CF). Also called: MUCOVISCIDOSIS. Identifiers: Orphanet 586, MedGen C0010674, MONDO:0009061, OMIM 219700. Disease mechanism: loss of function.

gnomAD v4.1: 1 of 1,597,806 alleles (0.000063%); highest among the groups gnomAD compares: South Asian, 0.0011%; no homozygotes.

Submissions (2):

Ambry Genetics
Classification: Uncertain significance for Cystic fibrosis. Last evaluated: 2023-05-05. Review status: criteria provided, single submitter. Criteria: Ambry Variant Classification Scheme 2023. Collection method: clinical testing. Allele origin: germline.
Comment: The p.N1303T variant (also known as c.3908A>C), located in coding exon 24 of the CFTR gene, results from an A to C substitution at nucleotide position 3908. The asparagine at codon 1303 is replaced by threonine, an amino acid with similar properties. This amino acid position is highly conserved in available vertebrate species. In addition, this alteration is predicted to be deleterious by in silico analysis. Since supporting evidence is limited at this time, the clinical significance of this alteration remains unclear.

Women's Health and Genetics/Laboratory Corporation of America, LabCorp
Classification: Uncertain significance. Last evaluated: 2017-07-17. Review status: criteria provided, single submitter. Criteria: LabCorp Variant Classification Summary - May 2015. Collection method: clinical testing. Allele origin: germline.
Comment: Variant summary: The CFTR c.3908A>C (p.Asn1303Thr) variant involves the alteration of a conserved nucleotide located in the P-loop containing nucleoside triphosphate hydrolase domain and ABC transporter-like domain of the protein (InterPro). 4/4 in silico tools predict a damaging outcome for this variant. This variant is absent in 120262 control chromosomes. The variant of interest has not, to our knowledge, been reported in affected individuals via publications; nor evaluated for functional impact by in vivo/vitro studies. Variant involving the same nucleotide and/or same codon such as c.3908A>T/p.N1303I, c.3907A>C/N1303H, c.3909C>G/N1303K have been reported in multiple affected individuals, suggesting this is a mutation hotspot. Because of the absence of clinical information and the lack of functional studies, the variant is classified as a variant of uncertain significance-possibly pathogenic until additional information becomes available.

NM_000492.4(CFTR):c.3908A>C (p.Asn1303Thr)

Gene: CFTR (CF transmembrane conductance regulator; plus strand). Cytogenetic location: 7q31.2.
Variant type: single nucleotide variant.
Coding change: c.3908A>C on transcript NM_000492.4 (MANE Select); coding-DNA position 3908, A replaced by C.
Protein change: p.Asn1303Thr; replaces asparagine 1303 with threonine.
Molecular consequence: missense variant.
Genome position (GRCh38, 1-based): chr7:117,652,876, A>C. VCF-style: chr7-117652876-A-C. GRCh37 (hg19) VCF-style: chr7-117292930-A-C.
Other names: short protein forms N1303T.
Identifiers: ClinVar variation 495938 (VCV000495938.3), dbSNP rs397508636, ClinGen allele CA368978233.